The following is an entry in ClinVar:

ClinVar aggregate classification (germline): Conflicting classifications of pathogenicity. Review status: criteria provided, conflicting classifications (1 of 4 stars). 6 submissions from 4 submitters: Uncertain significance (3); Likely benign (3). Last evaluated 2021-12-02.

Conditions:
Hyperinsulinism due to INSR deficiency. Also called: Hyperinsulinism due to glutamodehydrogenase deficiency. Identifiers: Orphanet 263458, MedGen C1864952, MONDO:0012381, OMIM 609968.
Rabson-Mendenhall syndrome. Also called: Pineal Hyperplasia, Insulin-Resistant Diabetes Mellitus, and Somatic Abnormalities; Pineal hyperplasia AND diabetes mellitus syndrome; MENDENHALL SYNDROME. Identifiers: Orphanet 769, MedGen C0271695, MONDO:0009874, OMIM 262190.
Insulin-resistant diabetes mellitus AND acanthosis nigricans. Also called: type A insulin resistance; DIABETES MELLITUS, INSULIN-RESISTANT, WITH ACANTHOSIS NIGRICANS, TYPE A; INSULIN RECEPTOR, DEFECT IN, WITH INSULIN-RESISTANT DIABETES MELLITUS AND ACANTHOSIS NIGRICANS; IRAN, TYPE A; Insulin-resistance syndrome type A. Identifiers: Orphanet 2297, MedGen C0342278, MONDO:0012520, OMIM 610549.
Leprechaunism syndrome. Also called: Donohue syndrome; LEPRECHAUNISM. Identifiers: Orphanet 508, MedGen C0265344, MONDO:0009517, OMIM 246200.

Allele frequency attached by ClinVar (database versions not stated): gnomAD 0.00001; gnomAD exomes 0.00002 and 0.00009; TOPMed 0.00005; ExAC 0.00006.
gnomAD v4.1: 27 of 1,614,036 alleles (0.0017%); highest among the groups gnomAD compares: Admixed American, 0.045%; no homozygotes.

Submissions (6):

Genetic Services Laboratory, University of Chicago
Classification: Likely benign. Last evaluated: 2021-12-02. Review status: criteria provided, single submitter. Criteria: ACMG Guidelines, 2015. Collection method: clinical testing. Allele origin: germline. Affected: no.

Labcorp Genetics (formerly Invitae), Labcorp
Classification: Likely benign. Last evaluated: 2018-05-08. Review status: criteria provided, single submitter. Criteria: Invitae Variant Classification Sherloc (09022015). Collection method: clinical testing. Allele origin: germline.

Illumina Laboratory Services, Illumina
Classification: Uncertain significance for Rabson-Mendenhall syndrome. Last evaluated: 2018-01-13. Review status: criteria provided, single submitter. Criteria: ICSL Variant Classification Criteria 13 December 2019. Collection method: clinical testing. Allele origin: germline.

Illumina Laboratory Services, Illumina
Classification: Uncertain significance for Leprechaunism syndrome. Last evaluated: 2018-01-13. Review status: criteria provided, single submitter. Criteria: ICSL Variant Classification Criteria 13 December 2019. Collection method: clinical testing. Allele origin: germline.

Illumina Laboratory Services, Illumina
Classification: Uncertain significance for Insulin-resistant diabetes mellitus AND acanthosis nigricans. Last evaluated: 2018-01-13. Review status: criteria provided, single submitter. Criteria: ICSL Variant Classification Criteria 13 December 2019. Collection method: clinical testing. Allele origin: germline.

Clinical Genomics, Uppaluri K&H Personalized Medicine Clinic
Classification: Likely benign for Hyperinsulinism due to INSR deficiency. Review status: criteria provided, single submitter. Criteria: K And H Uppaluri Personalized Medicine Clinic Variant Classification And Assertion Criteria Updated V 2. Collection method: research. Allele origin: unknown. Inheritance: Autosomal dominant inheritance.
Comment: Potent mutations in INSR gene can lead to insulin resistance, which presents as impaired glucose tolerance, early onset type 2 diabetes, post prandial hyperglycemia and increased insulin requirement in type 1 diabetes. These mutations in INSR gene can also predispose to coronary artery disease, metabolic syndrome, polycystic ovarian disease and non alcoholic fatty liver disease.However, the role of this particular variant rs759705666 with early onset diabetes mellitus is yet to be ascertained.

Literature cited by the submitters: PubMed 35000900 (cited by Clinical Genomics, Uppaluri K&H Personalized Medicine Clinic); PubMed 31989990 (cited by Clinical Genomics, Uppaluri K&H Personalized Medicine Clinic); PubMed 23705494 (cited by Clinical Genomics, Uppaluri K&H Personalized Medicine Clinic).

NM_000208.4(INSR):c.624A>G (p.Arg208=)

Gene: INSR (insulin receptor; minus strand). Cytogenetic location: 19p13.2.
Variant type: single nucleotide variant.
Coding change: c.624A>G on transcript NM_000208.4 (MANE Select); coding-DNA position 624, A replaced by G.
Protein change: p.Arg208=; no amino-acid change (arginine 208 retained).
Molecular consequence: synonymous variant.
Genome position (GRCh38, 1-based): chr19:7,267,373, T>C on the plus strand (A>G on the coding strand, the complement: INSR is on the minus strand). VCF-style: chr19-7267373-T-C. GRCh37 (hg19) VCF-style: chr19-7267384-T-C.
Other names: c.624A>G, p.Arg208= (NM_001079817.3).
Identifiers: ClinVar variation 742862 (VCV000742862.11), dbSNP rs759705666, ClinGen allele CA9136096.
Genomic context (GRCh38, chr19:7,267,373, plus strand): 5'-ACACTGCTTAGAACCCTGTATCCCCGGCGTACCTTTCTGGCAGTGACTATGAGTCCAACA[T>C]CGTTCGACAAACTGCCCGTTGATGACGGTGGCGGGGCAGTTGGTCTTGCCCTTCGCGGTA-3'
Protein context (NP_000199.2, residues 198-218): ATVINGQFVE[Arg208=]CWTHSHCQKV